The following is an entry in ClinVar:

ClinVar aggregate classification (germline): Pathogenic (1 of 4 stars; one submission).

Conditions:
Familial cancer of breast. Also called: Hereditary breast cancer; BREAST CANCER, FAMILIAL; hereditary breast carcinoma. Identifiers: Orphanet 227535, MedGen C0346153, MONDO:0016419, OMIM 114480. Disease mechanism: loss of function.

Submission:

Myriad Genetics, Inc.
Classification: Pathogenic for Familial cancer of breast. Last evaluated: 2023-05-19. Review status: criteria provided, single submitter. Criteria: Myriad Autosomal Dominant, Autosomal Recessive and X-Linked Classification Criteria (2023). Collection method: clinical testing. Allele origin: unknown.
Comment: This variant is considered pathogenic. This variant creates a frameshift predicted to result in premature protein truncation.

NM_000465.4(BARD1):c.684del (p.Glu228fs)

Gene: BARD1 (BRCA1 associated RING domain 1; minus strand). Cytogenetic location: 2q35.
Variant type: Deletion.
Coding change: c.684del on transcript NM_000465.4 (MANE Select); coding-DNA position 684, one base deleted (A; older notation c.684delA).
Protein change: p.Glu228fs; shifts the reading frame from glutamic acid 228.
Molecular consequence: frameshift variant. On other transcripts: non-coding transcript variant (2), intron variant (3).
Genome position (GRCh38, 1-based): chr2:214,781,190, T deleted on the plus strand (A on the coding strand, the reverse complement: BARD1 is on the minus strand); the first of 2 consecutive T bases (chr2:214,781,190-214,781,191); deleting either gives the same sequence. VCF-style (leftmost placement, unchanged base first): chr2-214781189-AT-A. GRCh37 (hg19) VCF-style: chr2-215645913-AT-A.
Other names: c.627del, p.Glu209fs (NM_001282543.2); c.158+28222del (NM_001282548.2); c.215+15871del (NM_001282545.2); c.364+11107del (NM_001282549.2); short protein forms E209fs, E228fs.
Identifiers: ClinVar variation 2583635 (VCV002583635.2), dbSNP rs2469510048, ClinGen allele CA2582342098.
Genomic context (GRCh38, chr2:214,781,189, plus strand): 5'-TAACAGATGGTTGGCTACAGAAGGATACCAGCTTTTGCTTAGATTCCTCTTTGGAGTCAA[AT>A]TCACCATCTTCTTTTTCTGCCTCTAAATTCCATTTTTGGTTGATTTCAGCTAAAGTTTTC-3'